The following is an entry in ClinVar:

NM_000092.5(COL4A4):c.4810-18C>G

Gene: COL4A4 (collagen type IV alpha 4 chain; minus strand). Cytogenetic location: 2q36.3.
Variant type: single nucleotide variant.
Coding change: c.4810-18C>G on transcript NM_000092.5 (MANE Select); 18 bases into the intron before coding-DNA position 4810, C replaced by G.
Molecular consequence: intron variant.
Genome position (GRCh38, 1-based): chr2:227,007,606, G>C on the plus strand (C>G on the coding strand, the complement: COL4A4 is on the minus strand). VCF-style: chr2-227007606-G-C. GRCh37 (hg19) VCF-style: chr2-227872322-G-C.
Identifiers: ClinVar variation 4689667 (VCV004689667.1).

ClinVar aggregate classification (germline): Likely benign (1 of 4 stars; one submission).

Submission:

Women's Health and Genetics/Laboratory Corporation of America, LabCorp
Classification: Likely benign. Last evaluated: 2026-01-05. Review status: criteria provided, single submitter. Criteria: LabCorp Variant Classification Summary - May 2015. Collection method: clinical testing. Allele origin: germline.
Comment: Variant summary: COL4A4 c.4810-18C>G alters a non-conserved nucleotide located at a position not widely known to affect splicing. Consensus agreement among computation tools predict no significant impact on normal splicing. However, these predictions have yet to be confirmed by functional studies. The variant was absent in 246926 control chromosomes. The available data on variant occurrences in the general population are insufficient to allow any conclusion about variant significance. To our knowledge, no occurrence of c.4810-18C>G in individuals affected with COL4A4-related conditions and no experimental evidence demonstrating its impact on protein function have been reported. No submitters have cited clinical-significance assessments for this variant to ClinVar. Based on the evidence outlined above, the variant was classified as likely benign.